The following is an entry in ClinVar:

NC_000017.10:g.(?_1173858)_(1174565_?)dup

Gene: BHLHA9 (basic helix-loop-helix family member a9; plus strand). Cytogenetic location: 17p13.3.
Variant type: Duplication.
Identifiers: ClinVar variation 2423904 (VCV002423904.3).

ClinVar aggregate classification (germline): Uncertain significance (1 of 4 stars; one submission).

Submission:

Labcorp Genetics (formerly Invitae), Labcorp
Classification: Uncertain significance. Last evaluated: 2022-09-13. Review status: criteria provided, single submitter. Criteria: Invitae Variant Classification Sherloc (09022015). Collection method: clinical testing. Allele origin: germline.
Comment: A copy number gain of the genomic region encompassing the full coding sequence of the BHLHA9 gene has been identified. The boundaries of this event are unknown as they extend beyond the assayed region for this gene and therefore may encompass additional genes. As the precise location of this event is unknown, it may be in tandem or it may be located elsewhere in the genome. Isolated whole-gene copy number gains of BHLHA9 have not been reported in the literature. However, larger copy number events that include this gene have been reported (PMID: 22147889, 24838992, 28496997, 31200655). Experimental studies and prediction algorithms are not available or were not evaluated, and the functional significance of this variant is currently unknown. In summary, the available evidence is currently insufficient to determine the role of this variant in disease. Therefore, it has been classified as a Variant of Uncertain Significance.

Literature cited by the submitters: PubMed 22147889; PubMed 24838992; PubMed 28496997; PubMed 31200655.